The following is an entry in ClinVar:

NM_001385682.1(MAP4):c.1647C>T (p.Val549=)

Gene: MAP4 (microtubule associated protein 4; minus strand). Cytogenetic location: 3p21.31.
Variant type: single nucleotide variant.
Coding change: c.1647C>T on transcript NM_001385682.1 (MANE Select); coding-DNA position 1647, C replaced by T.
Protein change: p.Val549=; no amino-acid change (valine 549 retained).
Molecular consequence: synonymous variant. On other transcripts: intron variant (10).
Genome position (GRCh38, 1-based): chr3:47,916,180, G>A on the plus strand (C>T on the coding strand, the complement: MAP4 is on the minus strand). VCF-style: chr3-47916180-G-A. GRCh37 (hg19) VCF-style: chr3-47957670-G-A.
Other names: c.1698C>T, p.Val566= (NM_001384790.1, NM_001384792.1, NM_001384794.1 and 9 more transcripts); c.1575C>T, p.Val525= (NM_001384791.1, NM_001384793.1, NM_001384797.1 and 2 more transcripts); c.1734C>T, p.Val578= (NM_001384795.1); c.1647C>T, p.Val549= (NM_001384798.1, NM_001384800.1, NM_001384809.1 and 41 more transcripts); c.1410C>T, p.Val470= (NM_001384803.1, NM_001384807.1, NM_001384842.1 and 1 more transcripts); c.1524C>T, p.Val508= (NM_001384804.1, NM_001384805.1, NM_001384806.1 and 14 more transcripts); c.1578C>T, p.Val526= (NM_001384811.1, NM_001384816.1, NM_001384828.1 and 10 more transcripts); c.1533C>T, p.Val511= (NM_001384825.1, NM_001384832.1, NM_001384841.1 and 4 more transcripts); and 15 more.
Identifiers: ClinVar variation 3035749 (VCV003035749.2), dbSNP rs146972984, ClinGen allele CA2371424.

ClinVar aggregate classification (germline): Likely benign (0 of 4 stars; one submission).

Conditions:
MAP4-related disorder. Also called: MAP4-related condition.

Allele frequency attached by ClinVar (database versions not stated): 1000 Genomes Project 0.00020; gnomAD exomes 0.00005; 1000 Genomes Project 30x 0.00031; TOPMed 0.00054; gnomAD 0.00053; ESP Exome Variant Server 0.00085.
gnomAD v4.1: 158 of 1,614,156 alleles (0.0098%); highest among the groups gnomAD compares: African/African-American, 0.19%; no homozygotes.

Submission:

PreventionGenetics, part of Exact Sciences
Classification: Likely benign for MAP4-related condition. Last evaluated: 2019-08-09. Review status: no assertion criteria provided. Collection method: clinical testing. Allele origin: germline.
Comment: This variant is classified as likely benign based on ACMG/AMP sequence variant interpretation guidelines (Richards et al. 2015 PMID: 25741868, with internal and published modifications).